The following is an entry in ClinVar:

ClinVar aggregate classification (germline): Uncertain significance. Review status: criteria provided, multiple submitters, no conflicts (2 of 4 stars). 2 submissions from 2 submitters: Uncertain significance (2). Last evaluated 2022-04-20.

Conditions:
SLC35A1-congenital disorder of glycosylation. Also called: SLC35A1-CDG; CONGENITAL DISORDER OF GLYCOSYLATION, TYPE IIf; CDG IIf. Identifiers: Orphanet 238459, MedGen C1970344, MONDO:0011342, OMIM 603585.
Inborn genetic diseases. Identifiers: MedGen C0950123, MeSH D030342.

Allele frequency attached by ClinVar (database versions not stated): gnomAD exomes 0.00002; ExAC 0.00006; gnomAD 0.00006; TOPMed 0.00006; 1000 Genomes Project 30x 0.00016; 1000 Genomes Project 0.00020.
gnomAD v4.1: 45 of 1,614,180 alleles (0.0028%); highest among the groups gnomAD compares: Middle Eastern, 0.033%; no homozygotes.

Submissions (2):

Labcorp Genetics (formerly Invitae), Labcorp
Classification: Uncertain significance for SLC35A1-congenital disorder of glycosylation. Last evaluated: 2022-04-20. Review status: criteria provided, single submitter. Criteria: Invitae Variant Classification Sherloc (09022015). Collection method: clinical testing. Allele origin: germline.
Comment: This sequence change replaces isoleucine, which is neutral and non-polar, with methionine, which is neutral and non-polar, at codon 285 of the SLC35A1 protein (p.Ile285Met). This variant is present in population databases (rs184000337, gnomAD 0.01%). This variant has not been reported in the literature in individuals affected with SLC35A1-related conditions. Algorithms developed to predict the effect of missense changes on protein structure and function are either unavailable or do not agree on the potential impact of this missense change (SIFT: "Deleterious"; PolyPhen-2: "Benign"; Align-GVGD: "Class C0"). In summary, the available evidence is currently insufficient to determine the role of this variant in disease. Therefore, it has been classified as a Variant of Uncertain Significance.

Ambry Genetics
Classification: Uncertain significance for Inborn genetic diseases. Last evaluated: 2021-07-14. Review status: criteria provided, single submitter. Criteria: Ambry Variant Classification Scheme 2023. Collection method: clinical testing. Allele origin: germline.

NM_006416.5(SLC35A1):c.855T>G (p.Ile285Met)

Gene: SLC35A1 (solute carrier family 35 member A1; plus strand). Cytogenetic location: 6q15.
Variant type: single nucleotide variant.
Coding change: c.855T>G on transcript NM_006416.5 (MANE Select); coding-DNA position 855, T replaced by G.
Protein change: p.Ile285Met; replaces isoleucine 285 with methionine.
Molecular consequence: missense variant.
Genome position (GRCh38, 1-based): chr6:87,509,144, T>G. VCF-style: chr6-87509144-T-G. GRCh37 (hg19) VCF-style: chr6-88218862-T-G.
Other names: c.678T>G, p.Ile226Met (NM_001168398.2); short protein forms I226M, I285M.
Identifiers: ClinVar variation 2037368 (VCV002037368.2), dbSNP rs184000337, ClinGen allele CA3916081.